The following is an entry in ClinVar:

NM_002968.3(SALL1):c.2152C>T (p.Gln718Ter)

Gene: SALL1 (spalt like transcription factor 1; minus strand). Cytogenetic location: 16q12.1.
Variant type: single nucleotide variant.
Coding change: c.2152C>T on transcript NM_002968.3 (MANE Select); coding-DNA position 2152, C replaced by T.
Protein change: p.Gln718Ter; replaces glutamine 718 with a stop codon.
Molecular consequence: nonsense.
Genome position (GRCh38, 1-based): chr16:51,140,070, G>A on the plus strand (C>T on the coding strand, the complement: SALL1 is on the minus strand). VCF-style: chr16-51140070-G-A. GRCh37 (hg19) VCF-style: chr16-51173981-G-A.
Other names: c.1861C>T, p.Gln621Ter (NM_001127892.2); short protein forms Q621*, Q718*.
Identifiers: ClinVar variation 4853832 (VCV004853832.1).

ClinVar aggregate classification (germline): Likely pathogenic (1 of 4 stars; one submission).

Conditions:
Townes-Brocks syndrome 1 (TBS1). Also called: SALL1-Related Townes-Brocks Syndrome; DEAFNESS, SENSORINEURAL, WITH IMPERFORATE ANUS AND THUMB ANOMALIES; REAR SYNDROME; RENAL-EAR-ANAL-RADIAL SYNDROME. Identifiers: Orphanet 857, MedGen C4551481, MONDO:0054581, OMIM 107480.

Submission:

Institute of Human Genetics, Heidelberg University
Classification: Likely pathogenic for Townes-Brocks syndrome 1. Last evaluated: 2026-05-06. Review status: criteria provided, single submitter. Criteria: ACMG Guidelines, 2015. Collection method: clinical testing. Allele origin: paternal. Affected: yes. Observed: 2 variant alleles.
Comment: PVS1, PM2_SUP